The following is an entry in ClinVar:

NM_004357.5(CD151):c.487G>A (p.Asp163Asn)

Gene: CD151 (CD151 molecule (Raph blood group); plus strand). Cytogenetic location: 11p15.5.
Variant type: single nucleotide variant.
Coding change: c.487G>A on transcript NM_004357.5 (MANE Select); coding-DNA position 487, G replaced by A.
Protein change: p.Asp163Asn; replaces aspartic acid 163 with asparagine.
Molecular consequence: missense variant.
Genome position (GRCh38, 1-based): chr11:837,490, G>A. VCF-style: chr11-837490-G-A. GRCh37 (hg19) VCF-style: chr11-837490-G-A.
Other names: c.487G>A, p.Asp163Asn (NM_001039490.2, NM_139029.2, NM_139030.4); short protein forms D163N.
Identifiers: ClinVar variation 4808084 (VCV004808084.1).

ClinVar aggregate classification (germline): Uncertain significance (1 of 4 stars; one submission).

Submission:

Labcorp Genetics (formerly Invitae), Labcorp
Classification: Uncertain significance. Last evaluated: 2025-06-30. Review status: criteria provided, single submitter. Criteria: Invitae Variant Classification Sherloc (09022015). Collection method: clinical testing. Allele origin: germline.
Comment: This sequence change replaces aspartic acid, which is acidic and polar, with asparagine, which is neutral and polar, at codon 163 of the CD151 protein (p.Asp163Asn). This variant is not present in population databases (gnomAD no frequency). This variant has not been reported in the literature in individuals affected with CD151-related conditions. An algorithm developed to predict the effect of missense changes on protein structure and function (PolyPhen-2) suggests that this variant is likely to be disruptive. In summary, the available evidence is currently insufficient to determine the role of this variant in disease. Therefore, it has been classified as a Variant of Uncertain Significance.